The following is an entry in ClinVar:

ClinVar aggregate classification (germline): Uncertain significance. Review status: criteria provided, multiple submitters, no conflicts (2 of 4 stars). 3 submissions from 2 submitters: Uncertain significance (3). Last evaluated 2021-06-30.

Conditions:
Cardiac arrhythmia. Also called: Cardiac rhythm disease; Arrhythmia. Identifiers: MedGen C0003811, MONDO:0007263, HP:0011675.
Atrial fibrillation, familial, 7 (ATFB7). Identifiers: MedGen C2677106, MONDO:0012828, OMIM 612240.

Submissions (3):

Blueprint Genetics
Classification: Uncertain significance. Last evaluated: 2021-06-30. Review status: criteria provided, single submitter. Criteria: ACMG Guidelines, 2015. Collection method: clinical testing. Allele origin: germline.

Centre for Mendelian Genomics, University Medical Centre Ljubljana
Classification: Uncertain significance for Cardiac arrhythmia. Last evaluated: 2017-01-01. Review status: criteria provided, single submitter. Criteria: ACMG Guidelines, 2015. Collection method: clinical testing. Allele origin: unknown. Affected: yes.

Centre for Mendelian Genomics, University Medical Centre Ljubljana
Classification: Uncertain significance for Atrial fibrillation, familial, 7. Last evaluated: 2016-01-01. Review status: criteria provided, single submitter. Criteria: ACMG Guidelines, 2015. Collection method: clinical testing. Allele origin: unknown. Affected: yes.
Comment: This variant was classified as: Uncertain significance. The following ACMG criteria were applied in classifying this variant: PM2,PP3,PP4.

NM_002234.4(KCNA5):c.1354G>A (p.Val452Ile)

Gene: KCNA5 (potassium voltage-gated channel subfamily A member 5; plus strand). Cytogenetic location: 12p13.32.
Variant type: single nucleotide variant.
Coding change: c.1354G>A on transcript NM_002234.4 (MANE Select); coding-DNA position 1354, G replaced by A.
Protein change: p.Val452Ile; replaces valine 452 with isoleucine.
Molecular consequence: missense variant.
Genome position (GRCh38, 1-based): chr12:5,045,501, G>A. VCF-style: chr12-5045501-G-A. GRCh37 (hg19) VCF-style: chr12-5154667-G-A.
Other names: short protein forms V452I.
Identifiers: ClinVar variation 523450 (VCV000523450.7), dbSNP rs1486417435, ClinGen allele CA383466301.